The following is an entry in ClinVar:

ClinVar aggregate classification (germline): Uncertain significance (1 of 4 stars; one submission).

Submission:

Women's Health and Genetics/Laboratory Corporation of America, LabCorp
Classification: Uncertain significance. Last evaluated: 2024-04-15. Review status: criteria provided, single submitter. Criteria: LabCorp Variant Classification Summary - May 2015. Collection method: clinical testing. Allele origin: germline.
Comment: Variant summary: NFIB c.806+3A>G alters a conserved nucleotide located close to a canonical splice site and therefore could affect mRNA splicing, leading to a significantly altered protein sequence. Several computational tools predict a significant impact on normal splicing: Three predict the variant abolishes the canonical 5' splicing donor site. One predict the variant weakens the canonical 5' donor site. However, these predictions have yet to be confirmed by functional studies. The variant was absent in 250778 control chromosomes. The available data on variant occurrences in the general population are insufficient to allow any conclusion about variant significance. To our knowledge, no occurrence of c.806+3A>G in individuals affected with Macrocephaly, Acquired, With Impaired Intellectual Development and no experimental evidence demonstrating its impact on protein function have been reported. No submitters have cited clinical-significance assessments for this variant to ClinVar. Based on the evidence outlined above, the variant was classified as uncertain significance.

NM_001190737.2(NFIB):c.806+3A>G

Gene: NFIB (nuclear factor I B; minus strand). Cytogenetic location: 9p23.
Variant type: single nucleotide variant.
Coding change: c.806+3A>G on transcript NM_001190737.2 (MANE Select); 3 bases into the intron after coding-DNA position 806, A replaced by G.
Molecular consequence: intron variant.
Genome position (GRCh38, 1-based): chr9:14,150,142, T>C on the plus strand (A>G on the coding strand, the complement: NFIB is on the minus strand). VCF-style: chr9-14150142-T-C. GRCh37 (hg19) VCF-style: chr9-14150141-T-C.
Other names: c.806+3A>G (NM_005596.3, NM_001369471.1, NM_001369464.1 and 1 more transcripts); c.872+3A>G (NM_001369468.1, NM_001369462.1, NM_001369459.1 and 1 more transcripts); c.884+3A>G (NM_001190738.2); c.569+3A>G (NM_001369478.1, NM_001369470.1); c.794+3A>G (NM_001369473.1, NM_001369472.1, NM_001369466.1 and 2 more transcripts); c.662+3A>G (NM_001369469.1); c.581+3A>G (NM_001369475.1); c.752+3A>G (NM_001369477.1); and 4 more.
Identifiers: ClinVar variation 3251271 (VCV003251271.1), dbSNP rs2538133361.